The following is an entry in ClinVar:

NM_032861.4(SERAC1):c.1502-113T>A

Gene: SERAC1 (serine active site containing 1; minus strand). Cytogenetic location: 6q25.3.
Variant type: single nucleotide variant.
Coding change: c.1502-113T>A on transcript NM_032861.4 (MANE Select); 113 bases into the intron before coding-DNA position 1502, T replaced by A.
Molecular consequence: intron variant.
Genome position (GRCh38, 1-based): chr6:158,115,084, A>T on the plus strand (T>A on the coding strand, the complement: SERAC1 is on the minus strand). VCF-style: chr6-158115084-A-T. GRCh37 (hg19) VCF-style: chr6-158536116-A-T.
Identifiers: ClinVar variation 671615 (VCV000671615.1), dbSNP rs2502604, ClinGen allele CA150915477.

ClinVar aggregate classification (germline): Benign (1 of 4 stars; one submission).

Allele frequency attached by ClinVar (database versions not stated): gnomAD exomes 0.49571; TOPMed 0.52211; gnomAD 0.52997 and 0.53174; 1000 Genomes Project 0.55411; 1000 Genomes Project 30x 0.55465.
gnomAD v4.1: 548,512 of 1,094,088 alleles (50%); highest among the groups gnomAD compares: African/African-American, 61%; 141,436 homozygotes.

Submission:

GeneDx
Classification: Benign. Last evaluated: 2018-06-14. Review status: criteria provided, single submitter. Criteria: GeneDx Variant Classification (06012015). Collection method: clinical testing. Allele origin: germline. Affected: yes.
Comment: This variant is considered likely benign or benign based on one or more of the following criteria: it is a conservative change, it occurs at a poorly conserved position in the protein, it is predicted to be benign by multiple in silico algorithms, and/or has population frequency not consistent with disease.